The following is an entry in ClinVar:

NM_000709.4(BCKDHA):c.261G>T (p.Gln87His)

Gene: BCKDHA (branched chain keto acid dehydrogenase E1 subunit alpha; plus strand). Cytogenetic location: 19q13.2.
Variant type: single nucleotide variant.
Coding change: c.261G>T on transcript NM_000709.4 (MANE Select); coding-DNA position 261, G replaced by T.
Protein change: p.Gln87His; replaces glutamine 87 with histidine.
Molecular consequence: missense variant.
Genome position (GRCh38, 1-based): chr19:41,410,789, G>T. VCF-style: chr19-41410789-G-T. GRCh37 (hg19) VCF-style: chr19-41916694-G-T.
Other names: c.261G>T, p.Gln87His (NM_001164783.2); short protein forms Q87H.
Identifiers: ClinVar variation 893709 (VCV000893709.5), dbSNP rs751862507, ClinGen allele CA9461037.

ClinVar aggregate classification (germline): Uncertain significance. Review status: criteria provided, multiple submitters, no conflicts (2 of 4 stars). 2 submissions from 2 submitters: Uncertain significance (2). Last evaluated 2024-10-14.

Conditions:
Inborn genetic diseases. Identifiers: MedGen C0950123, MeSH D030342.
Maple syrup urine disease (MSUD). Identifiers: Orphanet 511, MedGen C0024776, MeSH D008375, MONDO:0009563. Disease mechanism: loss of function.

Allele frequency attached by ClinVar (database versions not stated): gnomAD exomes 0.00001 and 0.00002; TOPMed 0.00001; ExAC 0.00002; gnomAD 0.00002.
gnomAD v4.1: 23 of 1,614,066 alleles (0.0014%); highest among the groups gnomAD compares: Non-Finnish European, 0.00076%; no homozygotes.

Submissions (2):

Ambry Genetics
Classification: Uncertain significance for Inborn genetic diseases. Last evaluated: 2024-10-14. Review status: criteria provided, single submitter. Criteria: Ambry Variant Classification Scheme 2023. Collection method: clinical testing. Allele origin: germline.
Comment: The p.Q87H variant (also known as c.261G>T), located in coding exon 2 of the BCKDHA gene, results from a G to T substitution at nucleotide position 261. The glutamine at codon 87 is replaced by histidine, an amino acid with highly similar properties. This amino acid position is conserved. In addition, the in silico prediction for this alteration is inconclusive. Based on the available evidence, the clinical significance of this variant remains unclear.

Illumina Laboratory Services, Illumina
Classification: Uncertain significance for Maple syrup urine disease type 1A. Last evaluated: 2018-03-16. Review status: criteria provided, single submitter. Criteria: ICSL Variant Classification Criteria 13 December 2019. Collection method: clinical testing. Allele origin: germline.